The following is an entry in ClinVar:

NM_152564.5(VPS13B):c.11052C>G (p.Leu3684=)

Gene: VPS13B (vacuolar protein sorting 13 homolog B; plus strand). Cytogenetic location: 8q22.2.
Variant type: single nucleotide variant.
Coding change: c.11052C>G on transcript NM_152564.5 (MANE Select); coding-DNA position 11052, C replaced by G.
Protein change: p.Leu3684=; no amino-acid change (leucine 3684 retained).
Molecular consequence: synonymous variant.
Genome position (GRCh38, 1-based): chr8:99,861,783, C>G. VCF-style: chr8-99861783-C-G. GRCh37 (hg19) VCF-style: chr8-100874011-C-G.
Other names: p.Leu3709=; c.11127C>G, p.Leu3709= (NM_017890.5).
Identifiers: ClinVar variation 262655 (VCV000262655.13), dbSNP rs373428916, ClinGen allele CA4825133.

ClinVar aggregate classification (germline): Likely benign. Review status: criteria provided, multiple submitters, no conflicts (2 of 4 stars). 3 submissions from 3 submitters: Likely benign (3). Last evaluated 2025-10-09.

Conditions:
Cohen syndrome (COH1). Also called: PEPPER SYNDROME; Cutis verticis gyrata, retinitis pigmentosa, and sensorineural deafness. Identifiers: Orphanet 193, MedGen C0265223, MONDO:0008999, OMIM 216550.

Allele frequency attached by ClinVar (database versions not stated): gnomAD exomes 0.00005 and 0.00013; gnomAD 0.00006 and 0.00005; TOPMed 0.00006; ExAC 0.00012; ESP Exome Variant Server 0.00015.
gnomAD v4.1: 194 of 1,594,150 alleles (0.012%); highest among the groups gnomAD compares: Non-Finnish European, 0.016%; no homozygotes.

Submissions (3):

Labcorp Genetics (formerly Invitae), Labcorp
Classification: Likely benign for Cohen syndrome. Last evaluated: 2025-10-09. Review status: criteria provided, single submitter. Criteria: Invitae Variant Classification Sherloc (09022015). Collection method: clinical testing. Allele origin: germline.

Mayo Clinic Laboratories, Mayo Clinic
Classification: Likely benign. Last evaluated: 2025-01-28. Review status: criteria provided, single submitter. Criteria: ACMG Guidelines, 2015. Collection method: clinical testing. Allele origin: germline. Observed: 1 variant allele.
Comment: BP4, BP7

PreventionGenetics, part of Exact Sciences
Classification: Likely benign. Review status: criteria provided, single submitter. Criteria: ACMG Guidelines, 2015. Collection method: clinical testing. Allele origin: germline.